The following is an entry in ClinVar:

ClinVar aggregate classification (germline): Likely benign (1 of 4 stars; one submission).

gnomAD v4.1: 9 of 1,207,167 alleles (0.00075%); highest among the groups gnomAD compares: South Asian, 0.0053%; no homozygotes.

Submission:

CeGaT Center for Human Genetics Tuebingen
Classification: Likely benign. Last evaluated: 2026-09-01. Review status: criteria provided, single submitter. Criteria: CeGaT Center For Human Genetics Tuebingen Variant Classification Criteria Version 2. Collection method: clinical testing. Allele origin: germline. Affected: yes. Observed: 1 variant allele.
Comment: DMD: BP4, BS2

NM_004006.3(DMD):c.*37C>T

Gene: DMD (dystrophin; minus strand). Cytogenetic location: Xp21.2.
Variant type: single nucleotide variant.
Coding change: c.*37C>T on transcript NM_004006.3 (MANE Select); 37 bases downstream of the stop codon, C replaced by T.
Molecular consequence: 3 prime UTR variant. On other transcripts: missense variant (5).
Genome position (GRCh38, 1-based): chrX:31,121,882, G>A on the plus strand (C>T on the coding strand, the complement: DMD is on the minus strand). VCF-style: chrX-31121882-G-A. GRCh37 (hg19) VCF-style: chrX-31139999-G-A.
Other names: c.*37C>T (NM_000109.4, NM_004009.3, NM_004010.3 and 7 more transcripts); c.1859C>T, p.Ala620Val (NM_004016.3); c.1820C>T, p.Ala607Val (NM_004018.3); c.3683C>T, p.Ala1228Val (NM_004021.3); c.3644C>T, p.Ala1215Val (NM_004022.3); c.3353C>T, p.Ala1118Val (NM_004023.3); short protein forms A1118V, A1215V, A1228V, A607V, A620V.
Identifiers: ClinVar variation 5041312 (VCV005041312.1).
Genomic context (GRCh38, chrX:31,121,882, plus strand): 5'-TTGTAAAACATTTATTCTGCTCCTTCTTCATCTGTCATGACTGATACTAAGGACTCCATC[G>A]CTCTGCCCAAATCATCTGCCATGTGGAAAAGACTTCCTACATTGTGTCCTGGAAAACAAA-3'